The following is an entry in ClinVar:

NM_006231.4(POLE):c.3305A>C (p.Glu1102Ala)

Gene: POLE (DNA polymerase epsilon, catalytic subunit; minus strand). Cytogenetic location: 12q24.33.
Variant type: single nucleotide variant.
Coding change: c.3305A>C on transcript NM_006231.4 (MANE Select); coding-DNA position 3305, A replaced by C.
Protein change: p.Glu1102Ala; replaces glutamic acid 1102 with alanine.
Molecular consequence: missense variant.
Genome position (GRCh38, 1-based): chr12:132,657,941, T>G on the plus strand (A>C on the coding strand, the complement: POLE is on the minus strand). VCF-style: chr12-132657941-T-G. GRCh37 (hg19) VCF-style: chr12-133234527-T-G.
Other names: short protein forms E1102A.
Identifiers: ClinVar variation 473583 (VCV000473583.8), dbSNP rs1555225324, ClinGen allele CA387389749.

ClinVar aggregate classification (germline): Uncertain significance (1 of 4 stars; one submission).

Submission:

Labcorp Genetics (formerly Invitae), Labcorp
Classification: Uncertain significance. Last evaluated: 2017-05-14. Review status: criteria provided, single submitter. Criteria: Invitae Variant Classification Sherloc (09022015). Collection method: clinical testing. Allele origin: germline.
Comment: In summary, this variant is a novel missense change with uncertain impact on protein function. It has been classified as a Variant of Uncertain Significance. Algorithms developed to predict the effect of missense changes on protein structure and function (SIFT, PolyPhen-2, Align-GVGD) all suggest that this variant is likely to be disruptive, but these predictions have not been confirmed by published functional studies. This variant is not present in population databases (ExAC no frequency) and has not been reported in the literature in individuals with a POLE-related disease. This sequence change replaces glutamic acid with alanine at codon 1102 of the POLE protein (p.Glu1102Ala). The glutamic acid residue is highly conserved and there is a moderate physicochemical difference between glutamic acid and alanine.